The following is an entry in ClinVar:

NM_021930.6(RINT1):c.154C>T (p.Leu52Phe)

Gene: RINT1 (RAD50 interactor 1; plus strand). Cytogenetic location: 7q22.3.
Variant type: single nucleotide variant.
Coding change: c.154C>T on transcript NM_021930.6 (MANE Select); coding-DNA position 154, C replaced by T.
Protein change: p.Leu52Phe; replaces leucine 52 with phenylalanine.
Molecular consequence: missense variant. On other transcripts: 5 prime UTR variant (3), non-coding transcript variant (1), intron variant (1).
Genome position (GRCh38, 1-based): chr7:105,536,630, C>T. VCF-style: chr7-105536630-C-T. GRCh37 (hg19) VCF-style: chr7-105177077-C-T.
Other names: c.-866C>T (NM_001346600.2); c.-769C>T (NM_001346601.2); c.-389C>T (NM_001346603.2); c.39+18C>T (NM_001346599.2); short protein forms L52F.
Identifiers: ClinVar variation 856740 (VCV000856740.7), dbSNP rs1488958943, ClinGen allele CA368800189.

ClinVar aggregate classification (germline): Uncertain significance (1 of 4 stars; one submission).

Allele frequency attached by ClinVar (database versions not stated): TOPMed below 0.00001; gnomAD 0.00001.
gnomAD v4.1: 2 of 1,611,582 alleles (0.00012%); highest among the groups gnomAD compares: African/African-American, 0.0013%; no homozygotes.

Submission:

Labcorp Genetics (formerly Invitae), Labcorp
Classification: Uncertain significance. Last evaluated: 2021-09-04. Review status: criteria provided, single submitter. Criteria: Invitae Variant Classification Sherloc (09022015). Collection method: clinical testing. Allele origin: germline.
Comment: This sequence change replaces leucine with phenylalanine at codon 52 of the RINT1 protein (p.Leu52Phe). The leucine residue is moderately conserved and there is a small physicochemical difference between leucine and phenylalanine. This variant is not present in population databases (ExAC no frequency). This variant has not been reported in the literature in individuals affected with RINT1-related conditions. Algorithms developed to predict the effect of missense changes on protein structure and function are either unavailable or do not agree on the potential impact of this missense change (SIFT: "Deleterious"; PolyPhen-2: "Benign"; Align-GVGD: "Class C0"). In summary, the available evidence is currently insufficient to determine the role of this variant in disease. Therefore, it has been classified as a Variant of Uncertain Significance.